The following is an entry in ClinVar:

NM_212482.4(FN1):c.2896G>A (p.Gly966Arg)

Gene: FN1 (fibronectin 1; minus strand). Cytogenetic location: 2q35.
Variant type: single nucleotide variant.
Coding change: c.2896G>A on transcript NM_212482.4 (MANE Select); coding-DNA position 2896, G replaced by A.
Protein change: p.Gly966Arg; replaces glycine 966 with arginine.
Molecular consequence: missense variant.
Genome position (GRCh38, 1-based): chr2:215,406,328, C>T on the plus strand (G>A on the coding strand, the complement: FN1 is on the minus strand). VCF-style: chr2-215406328-C-T. GRCh37 (hg19) VCF-style: chr2-216271051-C-T.
Other names: c.2896G>A, p.Gly966Arg (NM_001306129.2, NM_001306130.2, NM_001306131.2 and 13 more transcripts); c.2896G>A (NM_212482.1); short protein forms G966R.
Identifiers: ClinVar variation 1596749 (VCV001596749.20), dbSNP rs141400341, ClinGen allele CA2094847.

ClinVar aggregate classification (germline): Conflicting classifications of pathogenicity. Review status: criteria provided, conflicting classifications (1 of 4 stars). 5 submissions from 5 submitters: Uncertain significance (1); Benign (1); Likely benign (3). Last evaluated 2025-10-19.

Conditions:
Glomerulopathy with fibronectin deposits 2 (GFND2). Identifiers: Orphanet 84090, MedGen C1866075, MONDO:0011165, OMIM 601894.
Inborn genetic diseases. Identifiers: MedGen C0950123, MeSH D030342.

Allele frequency attached by ClinVar (database versions not stated): ExAC 0.00017; gnomAD 0.00019 and 0.00021; TOPMed 0.00019; gnomAD exomes 0.00027; ESP Exome Variant Server 0.00031.
gnomAD v4.1: 288 of 1,614,064 alleles (0.018%); highest among the groups gnomAD compares: East Asian, 0.013%; 1 homozygote.

Submissions (5):

Labcorp Genetics (formerly Invitae), Labcorp
Classification: Benign. Last evaluated: 2025-10-19. Review status: criteria provided, single submitter. Criteria: Invitae Variant Classification Sherloc (09022015). Collection method: clinical testing. Allele origin: germline.

CeGaT Center for Human Genetics Tuebingen
Classification: Likely benign. Last evaluated: 2025-07-01. Review status: criteria provided, single submitter. Criteria: CeGaT Center For Human Genetics Tuebingen Variant Classification Criteria Version 2. Collection method: clinical testing. Allele origin: germline. Affected: yes. Observed: 1 variant allele.
Comment: FN1: PP2, BP4, BS1

Blueprint Genetics
Classification: Likely benign. Last evaluated: 2024-04-23. Review status: criteria provided, single submitter. Criteria: ACMG Guidelines, 2015. Collection method: clinical testing. Allele origin: germline.

Ambry Genetics
Classification: Uncertain significance for Inborn genetic diseases. Last evaluated: 2022-04-25. Review status: criteria provided, single submitter. Criteria: Ambry Variant Classification Scheme 2023. Collection method: clinical testing. Allele origin: germline.

Victorian Clinical Genetics Services, Murdoch Childrens Research Institute
Classification: Likely benign for Glomerulopathy with fibronectin deposits 2. Last evaluated: 2022-03-31. Review status: criteria provided, single submitter. Criteria: ACMG Guidelines, 2015. Collection method: clinical testing. Allele origin: germline. Inheritance: Autosomal dominant inheritance.
Comment: Based on the classification scheme VCGS_Germline_v1.3.4, this variant is classified as Likely benign. Following criteria are met: 0105 - The mechanism of disease for this gene is not clearly established. However, loss-of-function has been suggested based on mutant proteins not being secreted and their intra-cellular accumulation (PMID: 29100092). (I) 0107 - This gene is associated with autosomal dominant disease. Variants associated with corner fracture type spondylometaphyseal dysplasia (MIM#184255) are located within the N-terminus (domains I-1 to I-5), and often affect the cysteine residues involved in disulphide bonds (PMIDs: 29100092, 32200603). Variants associated with glomerulopathy with fibronectin deposits 2 (MIM#601894) are located throughout domains III. (I) 0115 - Variants in this gene are known to have variable expressivity. Intra-familial clinical variability has been reported (PMID: 32200603). (I) 0200 - Variant is predicted to result in a missense amino acid change from glycine to arginine. (I) 0251 - This variant is heterozygous. (I) 0308 - Population frequency for this variant is out of keeping with known incidence of FN1-related disease (gnomAD (v2): 71 heterozygotes, 1 homozygote). (SB) 0502 - Missense variant with conflicting in silico predictions and uninformative conservation. (I) 0600 - Variant is located in the annotated fibronectin type III domain (DECIPHER). (I) 0705 - No comparable missense variants have previous evidence for pathogenicity. (I) 0807 - This variant has no previous evidence of pathogenicity. (I) 0905 - No published segregation evidence has been identified for this variant. (I) 1007 - No published functional evidence has been identified for this variant. (I) 1208 - Inheritance information for this variant is not currently available in this individual. (I) Legend: (SP) - Supporting pathogenic, (I) - Information, (SB) - Supporting benign

Literature cited by the submitters: PubMed 29100092 (cited by Victorian Clinical Genetics Services, Murdoch Childrens Research Institute); PubMed 32200603 (cited by Victorian Clinical Genetics Services, Murdoch Childrens Research Institute).